The following is an entry in ClinVar:

NM_000238.4(KCNH2):c.1794C>T (p.Asn598=)

Gene: KCNH2 (potassium voltage-gated channel subfamily H member 2; minus strand). Cytogenetic location: 7q36.1.
Variant type: single nucleotide variant.
Coding change: c.1794C>T on transcript NM_000238.4 (MANE Select); coding-DNA position 1794, C replaced by T.
Protein change: p.Asn598=; no amino-acid change (asparagine 598 retained).
Molecular consequence: synonymous variant. On other transcripts: non-coding transcript variant (2).
Genome position (GRCh38, 1-based): chr7:150,951,599, G>A on the plus strand (C>T on the coding strand, the complement: KCNH2 is on the minus strand). VCF-style: chr7-150951599-G-A. GRCh37 (hg19) VCF-style: chr7-150648687-G-A.
Other names: c.774C>T, p.Asn258= (NM_001204798.2, NM_172057.3); c.1506C>T, p.Asn502= (NM_001406753.1, NM_001406756.1); c.1617C>T, p.Asn539= (NM_001406755.1); c.1494C>T, p.Asn498= (NM_001406757.1); c.1794C>T, p.Asn598= (NM_172056.3).
Identifiers: ClinVar variation 2773446 (VCV002773446.5), dbSNP rs2486037601, ClinGen allele CA458871527.

ClinVar aggregate classification (germline): Likely benign. Review status: criteria provided, multiple submitters, no conflicts (2 of 4 stars). 3 submissions from 3 submitters: Likely benign (3). Last evaluated 2025-01-29.

Conditions:
Long QT syndrome (LQTS). Identifiers: MedGen C0023976, MeSH D008133, MONDO:0002442. Disease mechanism: loss of function. Inheritance: Various modes of inheritance.
Cardiac arrhythmia. Also called: Cardiac rhythm disease; Arrhythmia. Identifiers: MedGen C0003811, MONDO:0007263, HP:0011675.

Submissions (3):

Labcorp Genetics (formerly Invitae), Labcorp
Classification: Likely benign for Long QT syndrome. Last evaluated: 2025-01-29. Review status: criteria provided, single submitter. Criteria: Invitae Variant Classification Sherloc (09022015). Collection method: clinical testing. Allele origin: germline.

All of Us Research Program, National Institutes of Health
Classification: Likely benign for Long QT syndrome. Last evaluated: 2023-08-15. Review status: criteria provided, single submitter. Criteria: ACMG Guidelines, 2015. Collection method: clinical testing. Allele origin: germline. Inheritance: Autosomal dominant inheritance. Observed: 1 variant allele, 1 heterozygote.
Comment: This study involves interpretation of variants in research participants for the purpose of population health screening. Participant phenotype was not available at the time of variant classification. Additional details can be found in publication PMID: 35346344, PMCID: PMC8962531

Color Diagnostics, LLC DBA Color Health
Classification: Likely benign for Cardiac arrhythmia. Last evaluated: 2022-01-05. Review status: criteria provided, single submitter. Criteria: ACMG Guidelines, 2015. Collection method: clinical testing. Allele origin: germline.